The following is an entry in ClinVar:

NM_000257.4(MYH7):c.5557C>T (p.Gln1853Ter)

Gene: MYH7 (myosin heavy chain 7; minus strand). Cytogenetic location: 14q11.2.
Variant type: single nucleotide variant.
Coding change: c.5557C>T on transcript NM_000257.4 (MANE Select); coding-DNA position 5557, C replaced by T.
Protein change: p.Gln1853Ter; replaces glutamine 1853 with a stop codon.
Molecular consequence: nonsense.
Genome position (GRCh38, 1-based): chr14:23,414,997, G>A on the plus strand (C>T on the coding strand, the complement: MYH7 is on the minus strand). VCF-style: chr14-23414997-G-A. GRCh37 (hg19) VCF-style: chr14-23884206-G-A.
Other names: c.5557C>T, p.Gln1853Ter (NM_001407004.1); short protein forms Q1853*.
Identifiers: ClinVar variation 3896432 (VCV003896432.3).
Genomic context (GRCh38, chr14:23,414,997, plus strand): 5'-CTGGTTGTCACTGTGGCTATGGTGCCAGGGCTCTGCCTGGAGTCACCGCCCGTCGCACCT[G>A]GTAGGTGAGCTCCTTGATGCGCCGCTCGCTCTTCCTCATGCCCTTCACCGACTCTGCGTT-3'

ClinVar aggregate classification (germline): Uncertain significance. Review status: criteria provided, multiple submitters, no conflicts (2 of 4 stars). 2 submissions from 2 submitters: Uncertain significance (2). Last evaluated 2025-08-11.

Conditions:
Hypertrophic cardiomyopathy. Also called: HYPERTROPHIC MYOCARDIOPATHY. Identifiers: Orphanet 217569, MedGen C0007194, MeSH D002312, MONDO:0005045, HP:0001639.

Submissions (2):

Labcorp Genetics (formerly Invitae), Labcorp
Classification: Uncertain significance for Hypertrophic cardiomyopathy. Last evaluated: 2025-08-11. Review status: criteria provided, single submitter. Criteria: Invitae Variant Classification Sherloc (09022015). Collection method: clinical testing. Allele origin: germline.
Comment: This sequence change creates a premature translational stop signal (p.Gln1853*) in the MYH7 gene. It is expected to result in an absent or disrupted protein product. However, the current clinical and genetic evidence is not sufficient to establish whether loss-of-function variants in MYH7 cause disease. This variant is not present in population databases (gnomAD no frequency). This variant has not been reported in the literature in individuals affected with MYH7-related conditions. ClinVar contains an entry for this variant (Variation ID: 3896432). In summary, the available evidence is currently insufficient to determine the role of this variant in disease. Therefore, it has been classified as a Variant of Uncertain Significance.

Women's Health and Genetics/Laboratory Corporation of America, LabCorp
Classification: Uncertain significance. Last evaluated: 2025-04-08. Review status: criteria provided, single submitter. Criteria: LabCorp Variant Classification Summary - May 2015. Collection method: clinical testing. Allele origin: germline.
Comment: Variant summary: MYH7 c.5557C>T (p.Gln1853X) results in a premature termination codon in the last codon of exon 37, predicted to cause a truncation of the encoded protein or absence of the protein due to nonsense mediated decay, however current evidence is not sufficient to establish loss of function as a mechanism for disease. The variant was absent in 246360 control chromosomes. The available data on variant occurrences in the general population are insufficient to allow any conclusion about variant significance. To our knowledge, no occurrence of c.5557C>T in individuals affected with Cardiomyopathy and no experimental evidence demonstrating its impact on protein function have been reported. No submitters have cited clinical-significance assessments for this variant to ClinVar. Based on the evidence outlined above, the variant was classified as uncertain significance.